The following is an entry in ClinVar:

NM_000784.4(CYP27A1):c.1471G>A (p.Ala491Thr)

Gene: CYP27A1 (cytochrome P450 family 27 subfamily A member 1; plus strand). Cytogenetic location: 2q35.
Variant type: single nucleotide variant.
Coding change: c.1471G>A on transcript NM_000784.4 (MANE Select); coding-DNA position 1471, G replaced by A.
Protein change: p.Ala491Thr; replaces alanine 491 with threonine.
Molecular consequence: missense variant.
Genome position (GRCh38, 1-based): chr2:218,814,752, G>A. VCF-style: chr2-218814752-G-A. GRCh37 (hg19) VCF-style: chr2-219679475-G-A.
Other names: p.Ala491Thr; c.1471G>A (NM_000784.3); short protein forms A491T.
Identifiers: ClinVar variation 597806 (VCV000597806.15), dbSNP rs72551323, ClinGen allele CA2112902.
Genomic context (GRCh38, chr2:218,814,752, plus strand): 5'-TATGGGGTCCGGGCCTGCCTGGGCCGCAGGATTGCAGAGCTGGAGATGCAGCTACTCCTC[G>A]CAAGGGTGAGCTGGGAGAGGCTAGTAGGGTGTGTGGGCAGGGAGGGGTGGAGGAGTCCTG-3'
Protein context (NP_000775.1, residues 481-501): IAELEMQLLL[Ala491Thr]RLIQKYKVVL

ClinVar aggregate classification (germline): Conflicting classifications of pathogenicity. Review status: criteria provided, conflicting classifications (1 of 4 stars). 5 submissions from 5 submitters: Uncertain significance (2); Likely benign (2). 1 of the submissions does not count toward it. Last evaluated 2026-01-27.

Conditions:
Cholestanol storage disease (CTX). Also called: CTX: Cerebrotendinous xanthomatosis; CEREBRAL CHOLESTERINOSIS; Cerebrotendinous Xanthomatosis. Identifiers: Orphanet 909, MedGen C0238052, MONDO:0008948, OMIM 213700.
CYP27A1-related disorder. Also called: CYP27A1-related condition.

Allele frequency attached by ClinVar (database versions not stated): TOPMed 0.00009; 1000 Genomes Project 30x 0.00016.

Submissions (5):

Labcorp Genetics (formerly Invitae), Labcorp
Classification: Likely benign for Cholestanol storage disease. Last evaluated: 2026-01-27. Review status: criteria provided, single submitter. Criteria: Invitae Variant Classification Sherloc (09022015). Collection method: clinical testing. Allele origin: germline.

Blueprint Genetics
Classification: Likely benign. Last evaluated: 2024-11-26. Review status: criteria provided, single submitter. Criteria: ACMG Guidelines, 2015. Collection method: clinical testing. Allele origin: germline.

Mayo Clinic Laboratories, Mayo Clinic
Classification: Uncertain significance. Last evaluated: 2023-01-27. Review status: criteria provided, single submitter. Criteria: ACMG Guidelines, 2015. Collection method: clinical testing. Allele origin: germline. Observed: 1 variant allele.
Comment: BP4

Eurofins Ntd Llc (ga)
Classification: Uncertain significance. Last evaluated: 2018-06-26. Review status: criteria provided, single submitter. Criteria: EGL ClinVar v180209 classification definitions. Collection method: clinical testing. Allele origin: germline. Observed: 1 variant allele, 1 heterozygote.

PreventionGenetics, part of Exact Sciences
Classification: Likely benign for CYP27A1-related condition. Last evaluated: 2024-07-16. Review status: no assertion criteria provided. Collection method: clinical testing. Allele origin: germline. Not counted in ClinVar's aggregate classification.
Comment: This variant is classified as likely benign based on ACMG/AMP sequence variant interpretation guidelines (Richards et al. 2015 PMID: 25741868, with internal and published modifications).

Literature cited by the submitters: PubMed 24584636 (cited by Mayo Clinic Laboratories, Mayo Clinic).